The following is an entry in ClinVar:

NM_007212.4(RNF2):c.790G>A (p.Ala264Thr)

Gene: RNF2 (ring finger protein 2; plus strand). Cytogenetic location: 1q25.3.
Variant type: single nucleotide variant.
Coding change: c.790G>A on transcript NM_007212.4 (MANE Select); coding-DNA position 790, G replaced by A.
Protein change: p.Ala264Thr; replaces alanine 264 with threonine.
Molecular consequence: missense variant.
Genome position (GRCh38, 1-based): chr1:185,099,843, G>A. VCF-style: chr1-185099843-G-A. GRCh37 (hg19) VCF-style: chr1-185068975-G-A.
Other names: short protein forms A264T.
Identifiers: ClinVar variation 3905952 (VCV003905952.10).
Genomic context (GRCh38, chr1:185,099,843, plus strand): 5'-TCTTCTAGATACATAAAGACTTCTGGTAACGCCACTGTTGATCACTTATCCAAGTATCTG[G>A]CTGTGAGGTTAGCTTTAGAAGAACTTCGAAGCAAAGGTGAATCAAACCAGATGAACCTTG-3'
Protein context (NP_009143.1, residues 254-274): ATVDHLSKYL[Ala264Thr]VRLALEELRS

ClinVar aggregate classification (germline): Uncertain significance (1 of 4 stars; one submission).

Submission:

CeGaT Center for Human Genetics Tuebingen
Classification: Uncertain significance. Last evaluated: 2025-05-01. Review status: criteria provided, single submitter. Criteria: CeGaT Center For Human Genetics Tuebingen Variant Classification Criteria Version 2. Collection method: clinical testing. Allele origin: germline. Affected: yes. Observed: 1 variant allele.
Comment: RNF2: PM2, PP2, PP3